The following is an entry in ClinVar:

ClinVar aggregate classification (germline): Uncertain significance (1 of 4 stars; one submission).

Conditions:
Duchenne muscular dystrophy (DMD). Also called: MUSCULAR DYSTROPHY, PSEUDOHYPERTROPHIC PROGRESSIVE, DUCHENNE TYPE; Duchenne Muscular Dystrophy (DMD). Identifiers: Orphanet 98896, MedGen C0013264, MONDO:0010679, OMIM 310200.

Submission:

Labcorp Genetics (formerly Invitae), Labcorp
Classification: Uncertain significance for Duchenne muscular dystrophy. Last evaluated: 2024-08-31. Review status: criteria provided, single submitter. Criteria: Invitae Variant Classification Sherloc (09022015). Collection method: clinical testing. Allele origin: germline.
Comment: This sequence change replaces aspartic acid, which is acidic and polar, with glutamic acid, which is acidic and polar, at codon 1939 of the DMD protein (p.Asp1939Glu). This variant is not present in population databases (gnomAD no frequency). This variant has not been reported in the literature in individuals affected with DMD-related conditions. Invitae Evidence Modeling of protein sequence and biophysical properties (such as structural, functional, and spatial information, amino acid conservation, physicochemical variation, residue mobility, and thermodynamic stability) indicates that this missense variant is not expected to disrupt DMD protein function with a negative predictive value of 95%. In summary, the available evidence is currently insufficient to determine the role of this variant in disease. Therefore, it has been classified as a Variant of Uncertain Significance.

NM_004006.3(DMD):c.5817T>A (p.Asp1939Glu)

Gene: DMD (dystrophin; minus strand). Cytogenetic location: Xp21.1.
Variant type: single nucleotide variant.
Coding change: c.5817T>A on transcript NM_004006.3 (MANE Select); coding-DNA position 5817, T replaced by A.
Protein change: p.Asp1939Glu; replaces aspartic acid 1939 with glutamic acid.
Molecular consequence: missense variant.
Genome position (GRCh38, 1-based): chrX:32,342,205, A>T on the plus strand (T>A on the coding strand, the complement: DMD is on the minus strand). VCF-style: chrX-32342205-A-T. GRCh37 (hg19) VCF-style: chrX-32360322-A-T.
Other names: c.5793T>A, p.Asp1931Glu (NM_000109.4); c.5805T>A, p.Asp1935Glu (NM_004009.3); c.5448T>A, p.Asp1816Glu (NM_004010.3); c.1794T>A, p.Asp598Glu (NM_004011.4); c.1785T>A, p.Asp595Glu (NM_004012.4); short protein forms D1939E, D1816E, D1935E, D1931E, D595E, D598E.
Identifiers: ClinVar variation 3634817 (VCV003634817.2).